The following is an entry in ClinVar:

NM_130384.3(ATRIP):c.1744A>G (p.Arg582Gly)

Genes: ATRIP (ATR interacting protein; plus strand), ATRIP-TREX1 (ATRIP-TREX1 readthrough; plus strand). Cytogenetic location: 3p21.31.
Variant type: single nucleotide variant.
Coding change: c.1744A>G on transcript NM_130384.3 (MANE Select); coding-DNA position 1744, A replaced by G.
Protein change: p.Arg582Gly; replaces arginine 582 with glycine.
Molecular consequence: missense variant. On other transcripts: non-coding transcript variant (1).
Genome position (GRCh38, 1-based): chr3:48,460,798, A>G. VCF-style: chr3-48460798-A-G. GRCh37 (hg19) VCF-style: chr3-48502197-A-G.
Other names: c.1363A>G, p.Arg455Gly (NM_001271022.2); c.1465A>G, p.Arg489Gly (NM_001271023.2); c.1744A>G, p.Arg582Gly (NM_032166.4); c.1744A>G (NM_130384.1); short protein forms R455G, R489G, R582G.
Identifiers: ClinVar variation 3634763 (VCV003634763.3).
Genomic context (GRCh38, chr3:48,460,798, plus strand): 5'-ACCCAGTGCCTTAAGGTTTTGGTGAAATTAGCCGAAAACACTTCCTGTGATTTCTTGCCC[A>G]GGTATTAAGCTGCATAGGAGTCATGATTCTTTGTGGGTCTCACCTGACCTCTTAAGGTCT-3'
Protein context (NP_569055.1, residues 572-592): AENTSCDFLP[Arg582Gly]FQCVFQVLPK

ClinVar aggregate classification (germline): Uncertain significance. Review status: criteria provided, multiple submitters, no conflicts (2 of 4 stars). 2 submissions from 2 submitters: Uncertain significance (2). Last evaluated 2025-02-20.

gnomAD v4.1: 2 of 1,594,140 alleles (0.00013%); highest among the groups gnomAD compares: Admixed American, 0.0017%; no homozygotes.

Submissions (2):

Ambry Genetics
Classification: Uncertain significance. Last evaluated: 2025-02-20. Review status: criteria provided, single submitter. Criteria: Ambry Variant Classification Scheme 2023. Collection method: clinical testing. Allele origin: germline.
Comment: The p.R582G variant (also known as c.1744A>G), located in coding exon 8 of the ATRIP gene, results from an A to G substitution at nucleotide position 1744. The arginine at codon 582 is replaced by glycine, an amino acid with dissimilar properties. This amino acid position is well conserved in available vertebrate species. In addition, this alteration is predicted to be deleterious by in silico analysis. The evidence for this gene-disease relationship is limited; therefore, the clinical significance of this alteration is unclear.

Labcorp Genetics (formerly Invitae), Labcorp
Classification: Uncertain significance. Last evaluated: 2024-02-17. Review status: criteria provided, single submitter. Criteria: Invitae Variant Classification Sherloc (09022015). Collection method: clinical testing. Allele origin: germline.
Comment: This sequence change replaces arginine, which is basic and polar, with glycine, which is neutral and non-polar, at codon 582 of the ATRIP protein (p.Arg582Gly). This variant is present in population databases (no rsID available, gnomAD 0.003%). This variant has not been reported in the literature in individuals affected with ATRIP-related conditions. An algorithm developed to predict the effect of missense changes on protein structure and function (PolyPhen-2) suggests that this variant is likely to be disruptive. Algorithms developed to predict the effect of sequence changes on RNA splicing suggest that this variant may disrupt the consensus splice site. In summary, the available evidence is currently insufficient to determine the role of this variant in disease. Therefore, it has been classified as a Variant of Uncertain Significance.